The following is an entry in ClinVar:

ClinVar aggregate classification (germline): Uncertain significance. Review status: criteria provided, multiple submitters, no conflicts (2 of 4 stars). 6 submissions from 6 submitters: Uncertain significance (6). Last evaluated 2025-10-18.

Conditions:
Inborn genetic diseases. Identifiers: MedGen C0950123, MeSH D030342.
Bethlem myopathy 1A. Also called: Bethlem myopathy 1; MYOPATHY, BENIGN CONGENITAL, WITH CONTRACTURES; Bethlem Muscular Dystrophy. Identifiers: Orphanet 610, MedGen CN029274, MONDO:0024530, OMIM 158810.

Allele frequency attached by ClinVar (database versions not stated): ExAC 0.00001; TOPMed 0.00001; ESP Exome Variant Server 0.00008.
gnomAD v4.1: 3 of 1,614,074 alleles (0.00019%); highest among the groups gnomAD compares: African/African-American, 0.004%; no homozygotes.

Submissions (6):

Labcorp Genetics (formerly Invitae), Labcorp
Classification: Uncertain significance for Bethlem myopathy 1A. Last evaluated: 2025-10-18. Review status: criteria provided, single submitter. Criteria: Invitae Variant Classification Sherloc (09022015). Collection method: clinical testing. Allele origin: germline.
Comment: This sequence change replaces glycine, which is neutral and non-polar, with arginine, which is basic and polar, at codon 1159 of the COL6A3 protein (p.Gly1159Arg). This variant is present in population databases (rs146313030, gnomAD 0.008%). This variant has not been reported in the literature in individuals affected with COL6A3-related conditions. ClinVar contains an entry for this variant (Variation ID: 283625). Invitae Evidence Modeling of protein sequence and biophysical properties (such as structural, functional, and spatial information, amino acid conservation, physicochemical variation, residue mobility, and thermodynamic stability) has been performed for this missense variant. However, the output from this modeling did not meet the statistical confidence thresholds required to predict the impact of this variant on COL6A3 protein function. In summary, the available evidence is currently insufficient to determine the role of this variant in disease. Therefore, it has been classified as a Variant of Uncertain Significance.

Ambry Genetics
Classification: Uncertain significance for Inborn genetic diseases. Last evaluated: 2025-05-14. Review status: criteria provided, single submitter. Criteria: Ambry Variant Classification Scheme 2023. Collection method: clinical testing. Allele origin: germline.

Laboratorio de Genetica e Diagnostico Molecular, Hospital Israelita Albert Einstein
Classification: Uncertain significance for Bethlem myopathy 1A. Last evaluated: 2022-12-22. Review status: criteria provided, single submitter. Criteria: ACMG Guidelines, 2015. Collection method: clinical testing. Allele origin: germline. Affected: yes. Observed: 1 variant allele.
Comment: ACMG classification criteria: PM2 moderated

Revvity Omics, Revvity
Classification: Uncertain significance. Last evaluated: 2022-06-29. Review status: criteria provided, single submitter. Criteria: ACMG Guidelines, 2015. Collection method: clinical testing. Allele origin: germline.

GeneDx
Classification: Uncertain significance. Last evaluated: 2022-04-30. Review status: criteria provided, single submitter. Criteria: GeneDx Variant Classification Process June 2021. Collection method: clinical testing. Allele origin: germline. Affected: yes.
Comment: In silico analysis supports that this missense variant has a deleterious effect on protein structure/function; Has not been previously published as pathogenic or benign to our knowledge

Eurofins Ntd Llc (ga)
Classification: Uncertain significance. Last evaluated: 2015-10-08. Review status: criteria provided, single submitter. Criteria: EGL Classification Definitions 2015. Collection method: clinical testing. Allele origin: germline. Observed: 1 variant allele, 1 heterozygote.

NM_004369.4(COL6A3):c.3475G>C (p.Gly1159Arg)

Gene: COL6A3 (collagen type VI alpha 3 chain; minus strand). Cytogenetic location: 2q37.3.
Variant type: single nucleotide variant.
Coding change: c.3475G>C on transcript NM_004369.4 (MANE Select); coding-DNA position 3475, G replaced by C.
Protein change: p.Gly1159Arg; replaces glycine 1159 with arginine.
Molecular consequence: missense variant.
Genome position (GRCh38, 1-based): chr2:237,374,616, C>G on the plus strand (G>C on the coding strand, the complement: COL6A3 is on the minus strand). VCF-style: chr2-237374616-C-G. GRCh37 (hg19) VCF-style: chr2-238283259-C-G.
Other names: c.2254G>C, p.Gly752Arg (NM_057164.5); c.2857G>C, p.Gly953Arg (NM_057165.5, NM_057167.4); c.1654G>C, p.Gly552Arg (NM_057166.5); short protein forms G1159R, G953R, G752R, G552R.
Identifiers: ClinVar variation 283625 (VCV000283625.12), dbSNP rs146313030, ClinGen allele CA2189160.
Genomic context (GRCh38, chr2:237,374,616, plus strand): 5'-AGATGGTCTGCATCTCTGTGATGTCAGCGTTCCCGATGCCAATGCCAATGGGCACAGCCC[C>G]ACCCCTCTTCACGACCACGGAGGGGTTCCGCACATCATCCCCAGACCTGTCGGCCGTGAG-3'
Protein context (NP_004360.2, residues 1149-1169): RNPSVVVKRG[Gly1159Arg]AVPIGIGIGN